The following is an entry in ClinVar:

ClinVar aggregate classification (germline): Benign. Review status: criteria provided, multiple submitters, no conflicts (2 of 4 stars). 3 submissions from 3 submitters: Benign (3). Last evaluated 2018-06-16.

Conditions:
Bartter disease type 4A. Also called: BARTTER SYNDROME, NEONATAL, WITH SENSORINEURAL DEAFNESS; BARTTER SYNDROME, TYPE 4A, NEONATAL, WITH SENSORINEURAL DEAFNESS. Identifiers: Orphanet 112, MedGen C1865270, MONDO:0011242, OMIM 602522.

Allele frequency attached by ClinVar (database versions not stated): gnomAD 0.01711; TOPMed 0.01923; 1000 Genomes Project 0.02436; 1000 Genomes Project 30x 0.02608.
gnomAD v4.1: 5,089 of 1,567,476 alleles (0.32%); highest among the groups gnomAD compares: African/African-American, 6.2%; 144 homozygotes.

Submissions (3):

GeneDx
Classification: Benign. Last evaluated: 2018-06-16. Review status: criteria provided, single submitter. Criteria: GeneDx Variant Classification Process June 2021. Collection method: clinical testing. Allele origin: germline. Affected: yes.

Illumina Laboratory Services, Illumina
Classification: Benign for Bartter disease type 4A. Last evaluated: 2018-01-13. Review status: criteria provided, single submitter. Criteria: ICSL Variant Classification Criteria 13 December 2019. Collection method: clinical testing. Allele origin: germline.
Comment: This variant was observed in the ICSL laboratory as part of a predisposition screen in an ostensibly healthy population. It had not been previously curated by ICSL or reported in the Human Gene Mutation Database (HGMD: prior to June 1st, 2018), and was therefore a candidate for classification through an automated scoring system. Utilizing variant allele frequency, disease prevalence and penetrance estimates, and inheritance mode, an automated score was calculated to assess if this variant is too frequent to cause the disease. Based on the score and internal cut-off values, a variant classified as benign is not then subjected to further curation. The score for this variant resulted in a classification of benign for this disease.

Breakthrough Genomics
Classification: Benign. Review status: criteria provided, single submitter. Criteria: ACMG Guidelines, 2015. Collection method: not provided. Allele origin: germline. Inheritance: Autosomal recessive inheritance. Affected: yes.

NM_057176.3(BSND):c.*94A>G

Gene: BSND (barttin CLCNK type accessory subunit beta; plus strand). Cytogenetic location: 1p32.3.
Variant type: single nucleotide variant.
Coding change: c.*94A>G on transcript NM_057176.3 (MANE Select); 94 bases downstream of the stop codon, A replaced by G.
Molecular consequence: 3 prime UTR variant.
Genome position (GRCh38, 1-based): chr1:55,008,722, A>G. VCF-style: chr1-55008722-A-G. GRCh37 (hg19) VCF-style: chr1-55474395-A-G.
Identifiers: ClinVar variation 297682 (VCV000297682.9), dbSNP rs80300625, ClinGen allele CA10610161.